The following is an entry in ClinVar:

NM_007294.4(BRCA1):c.4523_4526delinsTGCCCATCATTAGATGAG (p.Trp1508_Tyr1509delinsLeuProIleIleArgTer)

Gene: BRCA1 (BRCA1 DNA repair associated; minus strand). Cytogenetic location: 17q21.31.
Variant type: Indel.
Coding change: c.4523_4526delinsTGCCCATCATTAGATGAG on transcript NM_007294.4 (MANE Select); coding-DNA positions 4523 to 4526, GGTA replaced by TGCCCATCATTAGATGAG.
Protein change: p.Trp1508_Tyr1509delinsLeuProIleIleArgTer.
Molecular consequence: nonsense. On other transcripts: frameshift variant (362), non-coding transcript variant (1).
Genome position (GRCh38, 1-based): chr17:43,074,480-43,074,483, TACC replaced by CTCATCTAATGATGGGCA on the plus strand (GGTA replaced by TGCCCATCATTAGATGAG on the coding strand, the reverse complement: BRCA1 is on the minus strand). VCF-style: chr17-43074480-TACC-CTCATCTAATGATGGGCA. GRCh37 (hg19) VCF-style: chr17-41226497-TACC-CTCATCTAATGATGGGCA.
Other names: c.4523_4526delGGTAinsTGCCCATCATTAGATGAG, p.Trp1508Leufs (NM_001407596.1, NM_001407597.1, NM_001407598.1 and 8 more transcripts); c.4520_4523delGGTAinsTGCCCATCATTAGATGAG, p.Trp1507Leufs (NM_001407610.1, NM_001407611.1, NM_001407612.1 and 17 more transcripts); c.4517_4520delGGTAinsTGCCCATCATTAGATGAG, p.Trp1506Leufs (NM_001407627.1, NM_001407628.1, NM_001407629.1 and 14 more transcripts); c.4514_4517delGGTAinsTGCCCATCATTAGATGAG, p.Trp1505Leufs (NM_001407644.1, NM_001407645.1); c.4511_4514delGGTAinsTGCCCATCATTAGATGAG, p.Trp1504Leufs (NM_001407646.1); c.4508_4511delGGTAinsTGCCCATCATTAGATGAG, p.Trp1503Leufs (NM_001407647.1); c.4466_4469delGGTAinsTGCCCATCATTAGATGAG, p.Trp1489Leufs (NM_001407648.1); c.4463_4466delGGTAinsTGCCCATCATTAGATGAG, p.Trp1488Leufs (NM_001407649.1); and 71 more.
Identifiers: ClinVar variation 419633 (VCV000419633.2), dbSNP rs1064794004, ClinGen allele CA16620423.

ClinVar aggregate classification (germline): Pathogenic. Review status: reviewed by expert panel (3 of 4 stars). 2 submissions from 2 submitters: Pathogenic (1). 1 of the submissions does not count toward it. Last evaluated 2017-12-15.

Conditions:
Breast-ovarian cancer, familial, susceptibility to, 1 (BROVCA1). Also called: BRCA1 Hereditary Breast and Ovarian Cancer; OVARIAN CANCER, SUSCEPTIBILITY TO. Identifiers: Orphanet 145, MedGen C2676676, MONDO:0011450, OMIM 604370. Disease mechanism: loss of function.

Submissions (2):

Evidence-based Network for the Interpretation of Germline Mutant Alleles (ENIGMA)
Classification: Pathogenic for Breast-ovarian cancer, familial, susceptibility to, 1. Last evaluated: 2017-12-15. Review status: reviewed by expert panel. Criteria: ENIGMA BRCA1/2 Classification Criteria (2017-06-29). Collection method: curation. Allele origin: germline. Study: ENIGMA.
Comment: Variant allele predicted to encode a truncated non-functional protein.

GeneDx
Classification: Pathogenic. Last evaluated: 2017-06-12. Review status: criteria provided, single submitter. Criteria: GeneDx Variant Classification (06012015). Collection method: clinical testing. Allele origin: germline. Affected: yes. Not counted in ClinVar's aggregate classification.
Comment: This combined deletion and insertion is denoted BRCA1 c.4523_4526delGGTAins18 at the cDNA level and p.Trp1508LeufsX6 (W1508LfsX6) at the protein level. The normal sequence, with the bases that are deleted in braces and inserted in brackets, is [GGTA][ins18]CATG. The variant causes a frameshift, which changes a Tryptophan to a Leucine at codon 1508, and creates a premature stop codon at position 6 of the new reading frame. Although this variant has not, to our knowledge, been reported in the literature, it is predicted to cause loss of normal protein function through either protein truncation or nonsense-mediated mRNA decay. we consider this variant to be pathogenic.